The following is an entry in ClinVar:

NM_001379286.1(ZNF423):c.1844C>T (p.Ser615Leu)

Gene: ZNF423 (zinc finger protein 423; minus strand). Cytogenetic location: 16q12.1.
Variant type: single nucleotide variant.
Coding change: c.1844C>T on transcript NM_001379286.1 (MANE Select); coding-DNA position 1844, C replaced by T.
Protein change: p.Ser615Leu; replaces serine 615 with leucine.
Molecular consequence: missense variant.
Genome position (GRCh38, 1-based): chr16:49,637,332, G>A on the plus strand (C>T on the coding strand, the complement: ZNF423 is on the minus strand). VCF-style: chr16-49637332-G-A. GRCh37 (hg19) VCF-style: chr16-49671243-G-A.
Other names: c.1640C>T, p.Ser547Leu (NM_001271620.2); c.1469C>T, p.Ser490Leu (NM_001330533.2); c.1820C>T, p.Ser607Leu (NM_015069.5); short protein forms S490L, S547L, S607L, S615L.
Identifiers: ClinVar variation 1051386 (VCV001051386.8), dbSNP rs754474774, ClinGen allele CA8046623.

ClinVar aggregate classification (germline): Uncertain significance (1 of 4 stars; one submission).

Conditions:
Nephronophthisis 14 (NPHP14). Identifiers: Orphanet 2318, MedGen C3539071, MONDO:0013916, OMIM 614844.

Allele frequency attached by ClinVar (database versions not stated): ExAC 0.00001; gnomAD exomes 0.00001.
gnomAD v4.1: 9 of 1,614,218 alleles (0.00056%); highest among the groups gnomAD compares: Middle Eastern, 0.016%; no homozygotes.

Submission:

Labcorp Genetics (formerly Invitae), Labcorp
Classification: Uncertain significance for Nephronophthisis 14. Last evaluated: 2024-02-24. Review status: criteria provided, single submitter. Criteria: Invitae Variant Classification Sherloc (09022015). Collection method: clinical testing. Allele origin: germline.
Comment: This sequence change replaces serine, which is neutral and polar, with leucine, which is neutral and non-polar, at codon 607 of the ZNF423 protein (p.Ser607Leu). This variant is present in population databases (rs754474774, gnomAD 0.006%). This variant has not been reported in the literature in individuals affected with ZNF423-related conditions. ClinVar contains an entry for this variant (Variation ID: 1051386). Advanced modeling of protein sequence and biophysical properties (such as structural, functional, and spatial information, amino acid conservation, physicochemical variation, residue mobility, and thermodynamic stability) performed at Invitae indicates that this missense variant is not expected to disrupt ZNF423 protein function with a negative predictive value of 80%. In summary, the available evidence is currently insufficient to determine the role of this variant in disease. Therefore, it has been classified as a Variant of Uncertain Significance.